The following is an entry in ClinVar:

NM_005475.3(SH2B3):c.311C>T (p.Pro104Leu)

Gene: SH2B3 (SH2B adaptor protein 3; plus strand). Cytogenetic location: 12q24.12.
Variant type: single nucleotide variant.
Coding change: c.311C>T on transcript NM_005475.3 (MANE Select); coding-DNA position 311, C replaced by T.
Protein change: p.Pro104Leu; replaces proline 104 with leucine.
Molecular consequence: missense variant.
Genome position (GRCh38, 1-based): chr12:111,418,456, C>T. VCF-style: chr12-111418456-C-T. GRCh37 (hg19) VCF-style: chr12-111856260-C-T.
Other names: short protein forms P104L.
Identifiers: ClinVar variation 3795095 (VCV003795095.1).
Genomic context (GRCh38, chr12:111,418,456, plus strand): 5'-CGCCGGGCCGCGACTACCGGGACACAGGCCGTGGGCCCCCAGCCAAGGCCGAGGCGTCCC[C>T]GGAGCCAGGCCCCGGCCCCGCCGCCCCTGGCCTGCCCAAGGCCCGCAGCTCTGAGGAGCT-3'
Protein context (NP_005466.1, residues 94-114): RGPPAKAEAS[Pro104Leu]EPGPGPAAPG

ClinVar aggregate classification (germline): Uncertain significance (1 of 4 stars; one submission).

Conditions:
Inborn genetic diseases. Identifiers: MedGen C0950123, MeSH D030342.

gnomAD v4.1: 1 of 1,388,798 alleles (0.000072%); highest among the groups gnomAD compares: South Asian, 0.0015%; no homozygotes.

Submission:

Ambry Genetics
Classification: Uncertain significance for Inborn genetic diseases. Last evaluated: 2025-01-09. Review status: criteria provided, single submitter. Criteria: Ambry Variant Classification Scheme 2023. Collection method: clinical testing. Allele origin: germline.
Comment: The p.P104L variant (also known as c.311C>T), located in coding exon 1 of the SH2B3 gene, results from a C to T substitution at nucleotide position 311. The proline at codon 104 is replaced by leucine, an amino acid with similar properties. This amino acid position is conserved. In addition, this alteration is predicted to be tolerated by in silico analysis. Based on the available evidence, the clinical significance of this variant remains unclear.